The following is an entry in ClinVar:

ClinVar aggregate classification (germline): Uncertain significance. Review status: criteria provided, multiple submitters, no conflicts (2 of 4 stars). 3 submissions from 3 submitters: Uncertain significance (3). Last evaluated 2026-07-30.

Conditions:
Paget disease of bone 2, early-onset (PDB2). Also called: Paget disease of bone 2. Identifiers: MedGen C4085251, MONDO:0011183, OMIM 602080.
Frontotemporal dementia and/or amyotrophic lateral sclerosis 1 (FTDALS1). Also called: C9orf72 Frontotemporal Dementia and/or Amyotrophic Lateral Sclerosis; Frontotemporal dementia with motor neuron disease 1. Identifiers: Orphanet 275872, MedGen C5779877, MONDO:0007105, OMIM 105550.
Inborn genetic diseases. Identifiers: MedGen C0950123, MeSH D030342.
SQSTM1-related disorder. Also called: SQSTM1-Related Disorders.

Allele frequency attached by ClinVar (database versions not stated): gnomAD exomes 0.00002; ExAC 0.00005.
gnomAD v4.1: 27 of 1,613,968 alleles (0.0017%); highest among the groups gnomAD compares: Non-Finnish European, 0.0021%; no homozygotes.

Submissions (3):

PreventionGenetics, part of Exact Sciences
Classification: Uncertain significance for SQSTM1-related condition. Last evaluated: 2026-07-30. Review status: criteria provided, single submitter. Criteria: ACMG Guidelines, 2015. Collection method: clinical testing. Allele origin: germline.
Comment: The SQSTM1 c.1142C>T variant is predicted to result in the amino acid substitution p.Ala381Val. This variant has been reported in individuals with SQSTM1-related disease including Paget disease of bone (PDB, Collet et al. 2007. PubMed ID: 17129171; Najat et al. 2009. PubMed ID: 19049332), frontotemporal temporal dementia (FTD, Le Ber et al. 2013. PubMed ID: 24042580), and amyotrophic lateral sclerosis (ALS, Table S4, Fiorini et al. 2023. PubMed ID: 40225153). In vitro analysis using patient fibroblasts suggests expression of this variant results in decreased protein expression and may impact mitochondrial respiration (Bartolome et al. 2017. PubMed ID: 28490746). This variant is reported in 0.0046% of alleles in individuals of European (non-Finnish) descent in gnomAD. At this time, the clinical significance of this variant is uncertain due to the absence of conclusive functional and genetic evidence.

Labcorp Genetics (formerly Invitae), Labcorp
Classification: Uncertain significance for Paget disease of bone 2, early-onset; Frontotemporal dementia and/or amyotrophic lateral sclerosis 1. Last evaluated: 2025-02-25. Review status: criteria provided, single submitter. Criteria: Invitae Variant Classification Sherloc (09022015). Collection method: clinical testing. Allele origin: germline.
Comment: This sequence change replaces alanine, which is neutral and non-polar, with valine, which is neutral and non-polar, at codon 381 of the SQSTM1 protein (p.Ala381Val). This variant is present in population databases (rs772122047, gnomAD 0.004%). This missense change has been observed in individuals with amyotrophic lateral sclerosis, frontotemporal dementia, and/or Paget disease of bone (PMID: 17129171, 19049332, 24042580, 35896380). ClinVar contains an entry for this variant (Variation ID: 1053436). Invitae Evidence Modeling of protein sequence and biophysical properties (such as structural, functional, and spatial information, amino acid conservation, physicochemical variation, residue mobility, and thermodynamic stability) indicates that this missense variant is expected to disrupt SQSTM1 protein function with a positive predictive value of 80%. Experimental studies are conflicting or provide insufficient evidence to determine the effect of this variant on SQSTM1 function (PMID: 19049332, 31434890). In summary, the available evidence is currently insufficient to determine the role of this variant in disease. Therefore, it has been classified as a Variant of Uncertain Significance.

Ambry Genetics
Classification: Uncertain significance for Inborn genetic diseases. Last evaluated: 2022-07-19. Review status: criteria provided, single submitter. Criteria: Ambry Variant Classification Scheme 2023. Collection method: clinical testing. Allele origin: germline.
Comment: The c.1142C>T (p.A381V) alteration is located in exon 7 (coding exon 7) of the SQSTM1 gene. This alteration results from a C to T substitution at nucleotide position 1142, causing the alanine (A) at amino acid position 381 to be replaced by a valine (V). Based on data from gnomAD, the T allele has an overall frequency of 0.0025% (7/282706) total alleles studied. The highest observed frequency was 0.005% (6/129052) of European (non-Finnish) alleles. This alteration has been reported in patients with Paget disease of bone or frontotemporal dementia (Collet, 2007; Najat, 2009; Le Ber, 2013). This amino acid position is highly conserved in available vertebrate species. In vitro studies demonstrated that the A381V mutant produced a level of activation of NF-kappaB signaling greater than wildtype, and similar to that of other known SQSTM1 pathogenic mutations, suggesting that this alteration exerts its effect through dysregulated NF-kappaB signaling (Najat, 2009). The in silico prediction for this alteration is inconclusive. Based on insufficient or conflicting evidence, the clinical significance of this alteration remains unclear.

Literature cited by the submitters: PubMed 17129171 (cited by Labcorp Genetics (formerly Invitae), Labcorp and Ambry Genetics); PubMed 19049332 (cited by Labcorp Genetics (formerly Invitae), Labcorp and Ambry Genetics); PubMed 24042580 (cited by Labcorp Genetics (formerly Invitae), Labcorp and Ambry Genetics); PubMed 35896380 (cited by Labcorp Genetics (formerly Invitae), Labcorp); PubMed 31434890 (cited by Labcorp Genetics (formerly Invitae), Labcorp).

NM_003900.5(SQSTM1):c.1142C>T (p.Ala381Val)

Gene: SQSTM1 (sequestosome 1; plus strand). Cytogenetic location: 5q35.3.
Variant type: single nucleotide variant.
Coding change: c.1142C>T on transcript NM_003900.5 (MANE Select); coding-DNA position 1142, C replaced by T.
Protein change: p.Ala381Val; replaces alanine 381 with valine.
Molecular consequence: missense variant.
Genome position (GRCh38, 1-based): chr5:179,833,759, C>T. VCF-style: chr5-179833759-C-T. GRCh37 (hg19) VCF-style: chr5-179260759-C-T.
Other names: c.1142C>T (NM_003900.4); c.890C>T, p.Ala297Val (NM_001142298.2, NM_001142299.2); short protein forms A297V, A381V.
Identifiers: ClinVar variation 1053436 (VCV001053436.9), dbSNP rs772122047, ClinGen allele CA3600809.